The following is an entry in ClinVar:

NM_000059.4(BRCA2):c.5431G>A (p.Glu1811Lys)

Gene: BRCA2 (BRCA2 DNA repair associated; plus strand). Cytogenetic location: 13q13.1.
Variant type: single nucleotide variant.
Coding change: c.5431G>A on transcript NM_000059.4 (MANE Select); coding-DNA position 5431, G replaced by A.
Protein change: p.Glu1811Lys; replaces glutamic acid 1811 with lysine.
Molecular consequence: missense variant.
Genome position (GRCh38, 1-based): chr13:32,339,786, G>A. VCF-style: chr13-32339786-G-A. GRCh37 (hg19) VCF-style: chr13-32913923-G-A.
Other names: short protein forms E1811K.
Identifiers: ClinVar variation 631086 (VCV000631086.10), dbSNP rs1566232430, ClinGen allele CA387785481.

ClinVar aggregate classification (germline): Conflicting classifications of pathogenicity. Review status: criteria provided, conflicting classifications (1 of 4 stars). 4 submissions from 4 submitters: Uncertain significance (3); Likely benign (1). Last evaluated 2025-09-06.

Conditions:
Hereditary cancer-predisposing syndrome. Also called: Tumor predisposition; Neoplastic Syndromes, Hereditary; Hereditary neoplastic syndrome; Hereditary Cancer Syndrome. Identifiers: Orphanet 140162, MedGen C0027672, MeSH D009386, MONDO:0015356.
Hereditary breast ovarian cancer syndrome. Also called: Hereditary breast and ovarian cancer; Hereditary breast and ovarian cancer syndrome (HBOC); Breast and ovarian cancer; Hereditary breast and ovarian cancer syndrome; BRCA1- and BRCA2-Associated Hereditary Breast and Ovarian Cancer; Hereditary breast and/or ovarian cancer syndrome. Identifiers: Orphanet 145, MedGen C0677776, MeSH D061325, MONDO:0003582. Disease mechanism: loss of function.

Submissions (4):

Ambry Genetics
Classification: Uncertain significance for Hereditary cancer-predisposing syndrome. Last evaluated: 2025-09-06. Review status: criteria provided, single submitter. Criteria: Ambry Variant Classification Scheme 2023. Collection method: clinical testing. Allele origin: germline.
Comment: The p.E1811K variant (also known as c.5431G>A), located in coding exon 10 of the BRCA2 gene, results from a G to A substitution at nucleotide position 5431. The glutamic acid at codon 1811 is replaced by lysine, an amino acid with similar properties. This amino acid position is conserved. In addition, this alteration is predicted to be tolerated by in silico analysis. Based on the available evidence, the clinical significance of this variant remains unclear.

Color Diagnostics, LLC DBA Color Health
Classification: Uncertain significance for Hereditary cancer-predisposing syndrome. Last evaluated: 2023-12-05. Review status: criteria provided, single submitter. Criteria: ACMG Guidelines, 2015. Collection method: clinical testing. Allele origin: germline.
Comment: This missense variant replaces glutamic acid with lysine at codon 1811 of the BRCA2 protein. Computational prediction suggests that this variant may not impact protein structure and function (internally defined REVEL score threshold <= 0.5, PMID: 27666373). To our knowledge, functional studies have not been reported for this variant. This variant has not been reported in individuals affected with BRCA2-related disorders in the literature. This variant has not been identified in the general population by the Genome Aggregation Database (gnomAD). The available evidence is insufficient to determine the role of this variant in disease conclusively. Therefore, this variant is classified as a Variant of Uncertain Significance.

Labcorp Genetics (formerly Invitae), Labcorp
Classification: Uncertain significance for Hereditary breast ovarian cancer syndrome. Last evaluated: 2023-08-30. Review status: criteria provided, single submitter. Criteria: Invitae Variant Classification Sherloc (09022015). Collection method: clinical testing. Allele origin: germline.
Comment: This sequence change replaces glutamic acid, which is acidic and polar, with lysine, which is basic and polar, at codon 1811 of the BRCA2 protein (p.Glu1811Lys). In summary, the available evidence is currently insufficient to determine the role of this variant in disease. Therefore, it has been classified as a Variant of Uncertain Significance. Advanced modeling of protein sequence and biophysical properties (such as structural, functional, and spatial information, amino acid conservation, physicochemical variation, residue mobility, and thermodynamic stability) performed at Invitae indicates that this missense variant is not expected to disrupt BRCA2 protein function. ClinVar contains an entry for this variant (Variation ID: 631086). This variant has not been reported in the literature in individuals affected with BRCA2-related conditions. This variant is not present in population databases (gnomAD no frequency).

University of Washington Department of Laboratory Medicine, University of Washington
Classification: Likely benign for Hereditary cancer-predisposing syndrome. Last evaluated: 2023-03-23. Review status: criteria provided, single submitter. Criteria: Dines et al. (Genet Med. 2020). Collection method: curation. Allele origin: germline.
Comment: Missense variant in a coldspot region where missense variants are very unlikely to be pathogenic (PMID:31911673).

BRCA2 exon 11 coldspot. Reclassification based on statistical prior probability.